The following is an entry in ClinVar:

ClinVar aggregate classification (germline): Uncertain significance. Review status: criteria provided, multiple submitters, no conflicts (2 of 4 stars). 2 submissions from 2 submitters: Uncertain significance (2). Last evaluated 2026-02-24.

Conditions:
RINT1-related disorder. Also called: RINT1-related condition.

Allele frequency attached by ClinVar (database versions not stated): gnomAD exomes below 0.00001.

Submissions (2):

PreventionGenetics, part of Exact Sciences
Classification: Uncertain significance for RINT1-related condition. Last evaluated: 2026-02-24. Review status: criteria provided, single submitter. Criteria: ACMG Guidelines, 2015. Collection method: clinical testing. Allele origin: germline.
Comment: The RINT1 c.580A>G variant is predicted to result in the amino acid substitution p.Met194Val. To our knowledge, this variant has not been reported in the literature or in a large population database (gnomAD), indicating this variant is rare. At this time, the clinical significance of this variant is uncertain due to the absence of conclusive functional and genetic evidence.

Ambry Genetics
Classification: Uncertain significance. Last evaluated: 2023-10-27. Review status: criteria provided, single submitter. Criteria: Ambry Variant Classification Scheme 2023. Collection method: clinical testing. Allele origin: germline.
Comment: The p.M194V variant (also known as c.580A>G), located in coding exon 5 of the RINT1 gene, results from an A to G substitution at nucleotide position 580. The methionine at codon 194 is replaced by valine, an amino acid with highly similar properties. This amino acid position is highly conserved in available vertebrate species. In addition, the in silico prediction for this alteration is inconclusive. Since supporting evidence is limited at this time, the clinical significance of this alteration remains unclear.

NM_021930.6(RINT1):c.580A>G (p.Met194Val)

Gene: RINT1 (RAD50 interactor 1; plus strand). Cytogenetic location: 7q22.3.
Variant type: single nucleotide variant.
Coding change: c.580A>G on transcript NM_021930.6 (MANE Select); coding-DNA position 580, A replaced by G.
Protein change: p.Met194Val; replaces methionine 194 with valine.
Molecular consequence: missense variant. On other transcripts: 5 prime UTR variant (2), non-coding transcript variant (1), intron variant (1).
Genome position (GRCh38, 1-based): chr7:105,546,974, A>G. VCF-style: chr7-105546974-A-G. GRCh37 (hg19) VCF-style: chr7-105187421-A-G.
Other names: c.580A>G (NM_021930.5); c.346A>G, p.Met116Val (NM_001346599.2); c.-440A>G (NM_001346600.2); c.-343A>G (NM_001346601.2); c.-27-3081A>G (NM_001346603.2); short protein forms M116V, M194V.
Identifiers: ClinVar variation 1749828 (VCV001749828.3), dbSNP rs2485122762, ClinGen allele CA368805392.